The following is an entry in ClinVar:

NM_015662.3(IFT172):c.2044T>C (p.Tyr682His)

Gene: IFT172 (intraflagellar transport 172; minus strand). Cytogenetic location: 2p23.3.
Variant type: single nucleotide variant.
Coding change: c.2044T>C on transcript NM_015662.3 (MANE Select); coding-DNA position 2044, T replaced by C.
Protein change: p.Tyr682His; replaces tyrosine 682 with histidine.
Molecular consequence: missense variant.
Genome position (GRCh38, 1-based): chr2:27,462,772, A>G on the plus strand (T>C on the coding strand, the complement: IFT172 is on the minus strand). VCF-style: chr2-27462772-A-G. GRCh37 (hg19) VCF-style: chr2-27685639-A-G.
Other names: c.1978T>C, p.Tyr660His (NM_001410739.1); short protein forms Y660H, Y682H.
Identifiers: ClinVar variation 3354915 (VCV003354915.1).

ClinVar aggregate classification (germline): Uncertain significance (0 of 4 stars; one submission).

Conditions:
IFT172-related disorder. Also called: IFT172-related disorders; IFT172-related condition.

gnomAD v4.1: 7 of 1,614,114 alleles (0.00043%); highest among the groups gnomAD compares: Non-Finnish European, 0.00051%; no homozygotes.

Submission:

PreventionGenetics, part of Exact Sciences
Classification: Uncertain significance for IFT172-related condition. Last evaluated: 2023-10-18. Review status: no assertion criteria provided. Collection method: clinical testing. Allele origin: germline.
Comment: The IFT172 c.2044T>C variant is predicted to result in the amino acid substitution p.Tyr682His. To our knowledge, this variant has not been reported in the literature. This variant is reported in 0.00088% of alleles in individuals of European (Non-Finnish) descent in gnomAD. At this time, the clinical significance of this variant is uncertain due to the absence of conclusive functional and genetic evidence.